The following is an entry in ClinVar:

NM_153026.3(PRICKLE1):c.1247C>T (p.Thr416Met)

Genes: PRICKLE1 (prickle planar cell polarity protein 1; minus strand), LOC126861509 (BRD4-independent group 4 enhancer GRCh37_chr12:42858567-42859766; plus strand). Cytogenetic location: 12q12.
Variant type: single nucleotide variant.
Coding change: c.1247C>T on transcript NM_153026.3 (MANE Select); coding-DNA position 1247, C replaced by T.
Protein change: p.Thr416Met; replaces threonine 416 with methionine.
Molecular consequence: missense variant.
Genome position (GRCh38, 1-based): chr12:42,464,787, G>A on the plus strand (C>T on the coding strand, the complement: PRICKLE1 is on the minus strand). VCF-style: chr12-42464787-G-A. GRCh37 (hg19) VCF-style: chr12-42858589-G-A.
Other names: c.1247C>T, p.Thr416Met (NM_001144881.2, NM_001144882.2, NM_001144883.2); short protein forms T416M.
Identifiers: ClinVar variation 469502 (VCV000469502.4), dbSNP rs151332996, ClinGen allele CA6519781.
Genomic context (GRCh38, chr12:42,464,787, plus strand): 5'-TCCATCTCATTGGGCTGTGGCTGAAAGAGGCTTTTATCACCAAACTTGAGGAGGAGCTGC[G>A]TCATATAATCTTCATGATCAGCCCATTCTTCAGGGTCTTCTGGAGTTTCCTGCTCTACTC-3'
Protein context (NP_694571.2, residues 406-426): EEWADHEDYM[Thr416Met]QLLLKFGDKS

ClinVar aggregate classification (germline): Uncertain significance (1 of 4 stars; one submission).

Conditions:
Epilepsy, progressive myoclonic, 1B. Also called: PME. Identifiers: Orphanet 308, MedGen C2676254, MONDO:0012904, OMIM 612437.

Allele frequency attached by ClinVar (database versions not stated): gnomAD exomes below 0.00001 and 0.00001; ExAC 0.00002; gnomAD 0.00004; TOPMed 0.00006; ESP Exome Variant Server 0.00015; 1000 Genomes Project 0.00020; 1000 Genomes Project 30x 0.00031.

Submission:

Labcorp Genetics (formerly Invitae), Labcorp
Classification: Uncertain significance for Epilepsy, progressive myoclonic, 1B. Last evaluated: 2021-10-29. Review status: criteria provided, single submitter. Criteria: Invitae Variant Classification Sherloc (09022015). Collection method: clinical testing. Allele origin: germline.
Comment: This sequence change replaces threonine, which is neutral and polar, with methionine, which is neutral and non-polar, at codon 416 of the PRICKLE1 protein (p.Thr416Met). This variant is present in population databases (rs151332996, gnomAD 0.005%). This variant has not been reported in the literature in individuals affected with PRICKLE1-related conditions. ClinVar contains an entry for this variant (Variation ID: 469502). Algorithms developed to predict the effect of missense changes on protein structure and function are either unavailable or do not agree on the potential impact of this missense change (SIFT: "Deleterious"; PolyPhen-2: "Benign"; Align-GVGD: "Class C0"). In summary, the available evidence is currently insufficient to determine the role of this variant in disease. Therefore, it has been classified as a Variant of Uncertain Significance.